The following is an entry in ClinVar:

ClinVar aggregate classification (germline): Likely benign. Review status: criteria provided, single submitter (1 of 4 stars). 2 submissions from 2 submitters: Likely benign (1). 1 of the submissions does not count toward it. Last evaluated 2022-05-01.

Conditions:
LAMC3-related disorder. Also called: LAMC3-related condition.

Allele frequency attached by ClinVar (database versions not stated): gnomAD 0.00016; TOPMed 0.00017; 1000 Genomes Project 30x 0.00031; ExAC 0.00037; 1000 Genomes Project 0.00040.
gnomAD v4.1: 339 of 1,611,528 alleles (0.021%); highest among the groups gnomAD compares: Middle Eastern, 0.099%; 1 homozygote.

Submissions (2):

CeGaT Center for Human Genetics Tuebingen
Classification: Likely benign. Last evaluated: 2022-05-01. Review status: criteria provided, single submitter. Criteria: CeGaT Center For Human Genetics Tuebingen Variant Classification Criteria Version 2. Collection method: clinical testing. Allele origin: germline. Affected: yes. Observed: 1 variant allele.
Comment: LAMC3: BP4, BP7

PreventionGenetics, part of Exact Sciences
Classification: Likely benign for LAMC3-related condition. Last evaluated: 2024-01-03. Review status: no assertion criteria provided. Collection method: clinical testing. Allele origin: germline. Not counted in ClinVar's aggregate classification.
Comment: This variant is classified as likely benign based on ACMG/AMP sequence variant interpretation guidelines (Richards et al. 2015 PMID: 25741868, with internal and published modifications).

NM_006059.4(LAMC3):c.2307C>T (p.Ser769=)

Gene: LAMC3 (laminin subunit gamma 3; plus strand). Cytogenetic location: 9q34.12.
Variant type: single nucleotide variant.
Coding change: c.2307C>T on transcript NM_006059.4 (MANE Select); coding-DNA position 2307, C replaced by T.
Protein change: p.Ser769=; no amino-acid change (serine 769 retained).
Molecular consequence: synonymous variant.
Genome position (GRCh38, 1-based): chr9:131,061,183, C>T. VCF-style: chr9-131061183-C-T. GRCh37 (hg19) VCF-style: chr9-133936570-C-T.
Other names: c.2307C>T (NM_006059.3).
Identifiers: ClinVar variation 2659625 (VCV002659625.25), dbSNP rs149626622, ClinGen allele CA5287380.